The following is an entry in ClinVar:

NM_020631.6(PLEKHG5):c.558C>T (p.Asp186=)

Gene: PLEKHG5 (pleckstrin homology and RhoGEF domain containing G5; minus strand). Cytogenetic location: 1p36.31.
Variant type: single nucleotide variant.
Coding change: c.558C>T on transcript NM_020631.6 (MANE Select); coding-DNA position 558, C replaced by T.
Protein change: p.Asp186=; no amino-acid change (aspartic acid 186 retained).
Molecular consequence: synonymous variant.
Genome position (GRCh38, 1-based): chr1:6,474,046, G>A on the plus strand (C>T on the coding strand, the complement: PLEKHG5 is on the minus strand). VCF-style: chr1-6474046-G-A. GRCh37 (hg19) VCF-style: chr1-6534106-G-A.
Other names: c.669C>T, p.Asp223= (NM_001042663.3, NM_001265592.2); c.558C>T, p.Asp186= (NM_001042664.2, NM_001042665.2, NM_001265594.3 and 1 more transcripts); c.765C>T, p.Asp255= (NM_001265593.2); c.558C>T (NM_020631.4).
Identifiers: ClinVar variation 1089409 (VCV001089409.10), dbSNP rs767157981, ClinGen allele CA561811.

ClinVar aggregate classification (germline): Likely benign. Review status: criteria provided, multiple submitters, no conflicts (2 of 4 stars). 2 submissions from 2 submitters: Likely benign (2). Last evaluated 2026-03-25.

Conditions:
Charcot-Marie-Tooth disease recessive intermediate C. Also called: CHARCOT-MARIE-TOOTH NEUROPATHY, RECESSIVE INTERMEDIATE C. Identifiers: Orphanet 369867, MedGen C3809309, MONDO:0014154, OMIM 615376.
Neuronopathy, distal hereditary motor, autosomal recessive 4. Also called: Autosomal recessive lower motor neuron disease with childhood onset; NEUROPATHY, DISTAL HEREDITARY MOTOR, AUTOSOMAL RECESSIVE 4. Identifiers: Orphanet 206580, MedGen C1970211, MONDO:0012608, OMIM 611067.
PLEKHG5-related disorder. Also called: PLEKHG5-related condition.

Allele frequency attached by ClinVar (database versions not stated): TOPMed 0.00002; gnomAD 0.00004 and 0.00005; gnomAD exomes 0.00004 and 0.00005; ExAC 0.00007.
gnomAD v4.1: 69 of 1,610,152 alleles (0.0043%); highest among the groups gnomAD compares: Middle Eastern, 0.052%; no homozygotes.

Submissions (2):

PreventionGenetics, part of Exact Sciences
Classification: Likely benign for PLEKHG5-related condition. Last evaluated: 2026-03-25. Review status: criteria provided, single submitter. Criteria: ACMG Guidelines, 2015. Collection method: clinical testing. Allele origin: germline.
Comment: This variant is classified as likely benign based on ACMG/AMP sequence variant interpretation guidelines (Richards et al. 2015 PMID: 25741868, with internal and published modifications).

Labcorp Genetics (formerly Invitae), Labcorp
Classification: Likely benign for Neuronopathy, distal hereditary motor, autosomal recessive 4; Charcot-Marie-Tooth disease recessive intermediate C. Last evaluated: 2026-01-31. Review status: criteria provided, single submitter. Criteria: Invitae Variant Classification Sherloc (09022015). Collection method: clinical testing. Allele origin: germline.